The following is an entry in ClinVar:

ClinVar aggregate classification (germline): Uncertain significance (1 of 4 stars; one submission).

Conditions:
Hereditary sensory and autonomic neuropathy type 1 (HSAN1). Also called: HSAN 1; HSN Type I; Hereditary Sensory Neuropathy Type I. Identifiers: Orphanet 36386, MedGen C0020071, MONDO:0018213.

Submission:

Labcorp Genetics (formerly Invitae), Labcorp
Classification: Uncertain significance for Neuropathy hereditary sensory and autonomic type 1. Last evaluated: 2019-09-05. Review status: criteria provided, single submitter. Criteria: Invitae Variant Classification Sherloc (09022015). Collection method: clinical testing. Allele origin: germline.
Comment: This sequence change replaces lysine with glutamic acid at codon 384 of the SPTLC1 protein (p.Lys384Glu). The lysine residue is moderately conserved and there is a small physicochemical difference between lysine and glutamic acid. This variant is not present in population databases (ExAC no frequency). This variant has not been reported in the literature in individuals with SPTLC1-related conditions. Algorithms developed to predict the effect of missense changes on protein structure and function (SIFT, PolyPhen-2, Align-GVGD) all suggest that this variant is likely to be tolerated, but these predictions have not been confirmed by published functional studies and their clinical significance is uncertain. Algorithms developed to predict the effect of sequence changes on RNA splicing suggest that this variant may create or strengthen a splice site, but this prediction has not been confirmed by published transcriptional studies. In summary, the available evidence is currently insufficient to determine the role of this variant in disease. Therefore, it has been classified as a Variant of Uncertain Significance.

NM_006415.4(SPTLC1):c.1150A>G (p.Lys384Glu)

Gene: SPTLC1 (serine palmitoyltransferase long chain base subunit 1; minus strand). Cytogenetic location: 9q22.31.
Variant type: single nucleotide variant.
Coding change: c.1150A>G on transcript NM_006415.4 (MANE Select); coding-DNA position 1150, A replaced by G.
Protein change: p.Lys384Glu; replaces lysine 384 with glutamic acid.
Molecular consequence: missense variant.
Genome position (GRCh38, 1-based): chr9:92,038,352, T>C on the plus strand (A>G on the coding strand, the complement: SPTLC1 is on the minus strand). VCF-style: chr9-92038352-T-C. GRCh37 (hg19) VCF-style: chr9-94800634-T-C.
Other names: c.1150A>G, p.Lys384Glu (NM_001281303.2); c.784A>G, p.Lys262Glu (NM_001368272.1); c.685A>G, p.Lys229Glu (NM_001368273.1); short protein forms K262E, K229E, K384E.
Identifiers: ClinVar variation 862388 (VCV000862388.1), dbSNP rs1833218770, ClinGen allele CA373790904.